The following is an entry in ClinVar:

ClinVar aggregate classification (germline): Pathogenic (1 of 4 stars; one submission).

Conditions:
Axenfeld-Rieger syndrome type 3 (RIEG3). Also called: AXENFELD-RIEGER ANOMALY WITH CARDIAC DEFECTS AND/OR SENSORINEURAL HEARING LOSS. Identifiers: Orphanet 782, MedGen C2678503, MONDO:0011233, OMIM 602482.

Submission:

Labcorp Genetics (formerly Invitae), Labcorp
Classification: Pathogenic for Axenfeld-Rieger syndrome type 3. Last evaluated: 2019-06-19. Review status: criteria provided, single submitter. Criteria: Invitae Variant Classification Sherloc (09022015). Collection method: clinical testing. Allele origin: germline.
Comment: For these reasons, this variant has been classified as Pathogenic. This variant disrupts the C-terminus of the FOXC1 protein. Other variant(s) that disrupt this region (p.Ala381Glyfs*147) have been determined to be pathogenic (PMID: 20881294, 16936096, 11170889). This suggests that variants that disrupt this region of the protein are likely to be causative of disease. This variant has been observed in a family affected with Axenfeld-Rieger syndrome (Invitae). This variant is not present in population databases (ExAC no frequency). This sequence change results in a premature translational stop signal in the FOXC1 gene (p.Leu101Alafs*70). While this is not anticipated to result in nonsense mediated decay, it is expected to disrupt the last 453 amino acids of the FOXC1 protein.

Literature cited by the submitters: PubMed 20881294; PubMed 16936096; PubMed 11170889.

NM_001453.3(FOXC1):c.301_331del (p.Leu101fs)

Genes: FOXC1 (forkhead box C1; plus strand), LOC129995601 (ATAC-STARR-seq lymphoblastoid active region 23864; plus strand). Cytogenetic location: 6p25.3.
Variant type: Deletion.
Coding change: c.301_331del on transcript NM_001453.3 (MANE Select); coding-DNA positions 301 to 331, 31 bases deleted.
Protein change: p.Leu101fs; shifts the reading frame from leucine 101.
Molecular consequence: frameshift variant.
Genome position (GRCh38, 1-based): chr6:1,610,746-1,610,776, 31 bases deleted; deleting any 31 consecutive bases within chr6:1,610,743-1,610,776 gives the same sequence; the c. name uses the placement nearest the transcript's 3' end. GRCh37 (hg19): chr6:1,610,981-1,611,011.
Other names: short protein forms L101fs.
Identifiers: ClinVar variation 861432 (VCV000861432.10), dbSNP rs1762521548, ClinGen allele CA916082800.